The following is an entry in ClinVar:

ClinVar aggregate classification (germline): Uncertain significance (1 of 4 stars; one submission).

Allele frequency attached by ClinVar (database versions not stated): ExAC 0.00007; gnomAD 0.00001; gnomAD exomes 0.00002 and 0.00005; TOPMed 0.00002.
gnomAD v4.1: 15 of 1,614,020 alleles (0.00093%); highest among the groups gnomAD compares: Admixed American, 0.023%; no homozygotes.

Submission:

Labcorp Genetics (formerly Invitae), Labcorp
Classification: Uncertain significance. Last evaluated: 2025-02-14. Review status: criteria provided, single submitter. Criteria: Invitae Variant Classification Sherloc (09022015). Collection method: clinical testing. Allele origin: germline.
Comment: This sequence change replaces glutamic acid, which is acidic and polar, with lysine, which is basic and polar, at codon 188 of the SNIP1 protein (p.Glu188Lys). This variant is present in population databases (rs757748265, gnomAD 0.03%). This variant has not been reported in the literature in individuals affected with SNIP1-related conditions. ClinVar contains an entry for this variant (Variation ID: 1501075). Invitae Evidence Modeling of protein sequence and biophysical properties (such as structural, functional, and spatial information, amino acid conservation, physicochemical variation, residue mobility, and thermodynamic stability) indicates that this missense variant is not expected to disrupt SNIP1 protein function with a negative predictive value of 80%. In summary, the available evidence is currently insufficient to determine the role of this variant in disease. Therefore, it has been classified as a Variant of Uncertain Significance.

NM_024700.4(SNIP1):c.562G>A (p.Glu188Lys)

Genes: SNIP1 (Smad nuclear interacting protein 1; minus strand), LOC126805704 (BRD4-independent group 4 enhancer GRCh37_chr1:38005292-38006491; plus strand). Cytogenetic location: 1p34.3.
Variant type: single nucleotide variant.
Coding change: c.562G>A on transcript NM_024700.4 (MANE Select); coding-DNA position 562, G replaced by A.
Protein change: p.Glu188Lys; replaces glutamic acid 188 with lysine.
Molecular consequence: missense variant.
Genome position (GRCh38, 1-based): chr1:37,540,521, C>T on the plus strand (G>A on the coding strand, the complement: SNIP1 is on the minus strand). VCF-style: chr1-37540521-C-T. GRCh37 (hg19) VCF-style: chr1-38006122-C-T.
Other names: short protein forms E188K.
Identifiers: ClinVar variation 1501075 (VCV001501075.8), dbSNP rs757748265, ClinGen allele CA771305.